The following is an entry in ClinVar:

ClinVar aggregate classification (germline): Uncertain significance (1 of 4 stars; one submission).

Conditions:
Multiple acyl-CoA dehydrogenase deficiency (MADD). Also called: ETHYLMALONIC-ADIPICACIDURIA; GA II; Glutaric aciduria, type 2; Glutaric acidemia type II; GA 2; Glutaric Acidemia type 2. Identifiers: Orphanet 26791, MedGen C0268596, MONDO:0009282, OMIM 231680.

Allele frequency attached by ClinVar (database versions not stated): TOPMed below 0.00001; gnomAD exomes 0.00001; ExAC 0.00002; ESP Exome Variant Server 0.00008.
gnomAD v4.1: 13 of 1,614,038 alleles (0.00081%); highest among the groups gnomAD compares: Admixed American, 0.005%; no homozygotes.

Submission:

Labcorp Genetics (formerly Invitae), Labcorp
Classification: Uncertain significance for Multiple acyl-CoA dehydrogenase deficiency. Last evaluated: 2022-10-24. Review status: criteria provided, single submitter. Criteria: Invitae Variant Classification Sherloc (09022015). Collection method: clinical testing. Allele origin: germline.
Comment: This sequence change replaces isoleucine, which is neutral and non-polar, with threonine, which is neutral and polar, at codon 544 of the ETFDH protein (p.Ile544Thr). This variant is present in population databases (rs140184655, gnomAD 0.009%). This variant has not been reported in the literature in individuals affected with ETFDH-related conditions. Advanced modeling of protein sequence and biophysical properties (such as structural, functional, and spatial information, amino acid conservation, physicochemical variation, residue mobility, and thermodynamic stability) performed at Invitae indicates that this missense variant is not expected to disrupt ETFDH protein function. In summary, the available evidence is currently insufficient to determine the role of this variant in disease. Therefore, it has been classified as a Variant of Uncertain Significance.

NM_004453.4(ETFDH):c.1631T>C (p.Ile544Thr)

Gene: ETFDH (electron transfer flavoprotein dehydrogenase; plus strand). Cytogenetic location: 4q32.1.
Variant type: single nucleotide variant.
Coding change: c.1631T>C on transcript NM_004453.4 (MANE Select); coding-DNA position 1631, T replaced by C.
Protein change: p.Ile544Thr; replaces isoleucine 544 with threonine.
Molecular consequence: missense variant.
Genome position (GRCh38, 1-based): chr4:158,706,791, T>C. VCF-style: chr4-158706791-T-C. GRCh37 (hg19) VCF-style: chr4-159627943-T-C.
Other names: c.1490T>C, p.Ile497Thr (NM_001281737.2); c.1448T>C, p.Ile483Thr (NM_001281738.1); short protein forms I497T, I544T, I483T.
Identifiers: ClinVar variation 2201258 (VCV002201258.1), dbSNP rs140184655, ClinGen allele CA3122675.